The following is an entry in ClinVar:

ClinVar aggregate classification (germline): Uncertain significance (0 of 4 stars; one submission).

Conditions:
PCNT-related disorder. Also called: PCNT-related condition.

gnomAD v4.1: 4 of 1,613,300 alleles (0.00025%); highest among the groups gnomAD compares: African/African-American, 0.0013%; no homozygotes.

Submission:

PreventionGenetics, part of Exact Sciences
Classification: Uncertain significance for PCNT-related condition. Last evaluated: 2024-07-18. Review status: no assertion criteria provided. Collection method: clinical testing. Allele origin: germline.
Comment: The PCNT c.7179+3A>G variant is predicted to interfere with splicing. To our knowledge, this variant has not been reported in the literature or in gnomAD, indicating this variant is rare. At this time, the clinical significance of this variant is uncertain due to the absence of conclusive functional and genetic evidence.

NM_006031.6(PCNT):c.7179+3A>G

Gene: PCNT (pericentrin; plus strand). Cytogenetic location: 21q22.3.
Variant type: single nucleotide variant.
Coding change: c.7179+3A>G on transcript NM_006031.6 (MANE Select); 3 bases into the intron after coding-DNA position 7179, A replaced by G.
Molecular consequence: intron variant.
Genome position (GRCh38, 1-based): chr21:46,422,127, A>G. VCF-style: chr21-46422127-A-G. GRCh37 (hg19) VCF-style: chr21-47842041-A-G.
Other names: c.6825+3A>G (NM_001315529.2).
Identifiers: ClinVar variation 3354056 (VCV003354056.1).
Genomic context (GRCh38, chr21:46,422,127, plus strand): 5'-GTTTCAGCCGCTGCCGGAAGCCATGAAGGAGAAGGAAGTGCGTCCGAAGCACGTGAAGGT[A>G]TGGCTGGCAGGGGCGGCCCTCACAGCTTCACATGTGCAGCCTCGGGGCATCCCCCAAGCC-3'